The following is an entry in ClinVar:

NM_022788.5(P2RY12):c.619G>T (p.Val207Leu)

Genes: MED12L (mediator complex subunit 12L; plus strand), P2RY12 (purinergic receptor P2Y12; minus strand). Cytogenetic location: 3q25.1.
Variant type: single nucleotide variant.
Coding change: c.619G>T on transcript NM_022788.5 (MANE Select); coding-DNA position 619, G replaced by T.
Protein change: p.Val207Leu; replaces valine 207 with leucine.
Molecular consequence: missense variant. On other transcripts: intron variant (2).
Genome position (GRCh38, 1-based): chr3:151,338,227, C>A on the plus strand (G>T on the coding strand, the complement: P2RY12 is on the minus strand). VCF-style: chr3-151338227-C-A. GRCh37 (hg19) VCF-style: chr3-151056015-C-A.
Other names: c.619G>T, p.Val207Leu (NM_176876.3); c.2251-11832C>A (NM_001393769.1); c.2146-11832C>A (NM_053002.6); short protein forms V207L.
Identifiers: ClinVar variation 3714783 (VCV003714783.2).

ClinVar aggregate classification (germline): Uncertain significance (1 of 4 stars; one submission).

gnomAD v4.1: 58 of 1,613,896 alleles (0.0036%); highest among the groups gnomAD compares: Non-Finnish European, 0.0047%; no homozygotes.

Submission:

Labcorp Genetics (formerly Invitae), Labcorp
Classification: Uncertain significance. Last evaluated: 2024-08-05. Review status: criteria provided, single submitter. Criteria: Invitae Variant Classification Sherloc (09022015). Collection method: clinical testing. Allele origin: germline.
Comment: This sequence change replaces valine, which is neutral and non-polar, with leucine, which is neutral and non-polar, at codon 207 of the P2RY12 protein (p.Val207Leu). This variant is present in population databases (rs769622362, gnomAD 0.003%). This variant has not been reported in the literature in individuals affected with P2RY12-related conditions. An algorithm developed to predict the effect of missense changes on protein structure and function (PolyPhen-2) suggests that this variant is likely to be tolerated. In summary, the available evidence is currently insufficient to determine the role of this variant in disease. Therefore, it has been classified as a Variant of Uncertain Significance.